The following is an entry in ClinVar:

ClinVar aggregate classification (germline): Conflicting classifications of pathogenicity. Review status: criteria provided, conflicting classifications (1 of 4 stars). 3 submissions from 3 submitters: Uncertain significance (2); Likely benign (1). Last evaluated 2023-08-02.

Conditions:
Inborn genetic diseases. Identifiers: MedGen C0950123, MeSH D030342.
Cortical dysplasia-focal epilepsy syndrome (PTHSL1). Also called: Pitt-Hopkins-like syndrome 1. Identifiers: Orphanet 163681, Orphanet 221150, MedGen C2750246, MONDO:0012400, OMIM 610042.

Allele frequency attached by ClinVar (database versions not stated): gnomAD 0.00003 and 0.00005; gnomAD exomes 0.00003 and 0.00016; TOPMed 0.00003; ExAC 0.00016; 1000 Genomes Project 30x 0.00078; 1000 Genomes Project 0.00080.
gnomAD v4.1: 49 of 1,614,018 alleles (0.003%); highest among the groups gnomAD compares: East Asian, 0.094%; no homozygotes.

Submissions (3):

Ambry Genetics
Classification: Likely benign for Inborn genetic diseases. Last evaluated: 2023-08-02. Review status: criteria provided, single submitter. Criteria: Ambry Variant Classification Scheme 2023. Collection method: clinical testing. Allele origin: germline.

Labcorp Genetics (formerly Invitae), Labcorp
Classification: Uncertain significance for Cortical dysplasia-focal epilepsy syndrome. Last evaluated: 2022-07-27. Review status: criteria provided, single submitter. Criteria: Invitae Variant Classification Sherloc (09022015). Collection method: clinical testing. Allele origin: germline.
Comment: This sequence change replaces asparagine, which is neutral and polar, with aspartic acid, which is acidic and polar, at codon 360 of the CNTNAP2 protein (p.Asn360Asp). This variant is present in population databases (rs570190374, gnomAD 0.2%). This variant has not been reported in the literature in individuals affected with CNTNAP2-related conditions. ClinVar contains an entry for this variant (Variation ID: 205230). Algorithms developed to predict the effect of missense changes on protein structure and function output the following: SIFT: "Tolerated"; PolyPhen-2: "Benign"; Align-GVGD: "Class C0". The aspartic acid amino acid residue is found in multiple mammalian species, which suggests that this missense change does not adversely affect protein function. In summary, the available evidence is currently insufficient to determine the role of this variant in disease. Therefore, it has been classified as a Variant of Uncertain Significance.

GeneDx
Classification: Uncertain significance. Last evaluated: 2019-05-16. Review status: criteria provided, single submitter. Criteria: GeneDx Variant Classification Process June 2021. Collection method: clinical testing. Allele origin: germline. Affected: yes.
Comment: In silico analysis, which includes protein predictors and evolutionary conservation, supports that this variant does not alter protein structure/function; Has not been previously published as pathogenic or benign to our knowledge

NM_014141.6(CNTNAP2):c.1078A>G (p.Asn360Asp)

Gene: CNTNAP2 (contactin associated protein 2; plus strand). Cytogenetic location: 7q35.
Variant type: single nucleotide variant.
Coding change: c.1078A>G on transcript NM_014141.6 (MANE Select); coding-DNA position 1078, A replaced by G.
Protein change: p.Asn360Asp; replaces asparagine 360 with aspartic acid.
Molecular consequence: missense variant.
Genome position (GRCh38, 1-based): chr7:147,128,831, A>G. VCF-style: chr7-147128831-A-G. GRCh37 (hg19) VCF-style: chr7-146825923-A-G.
Other names: p.N360D:AAT>GAT; short protein forms N360D.
Identifiers: ClinVar variation 205230 (VCV000205230.11), dbSNP rs570190374, ClinGen allele CA314094.